The following is an entry in ClinVar:

NM_000195.5(HPS1):c.921del (p.Gly308fs)

Gene: HPS1 (HPS1 biogenesis of lysosomal organelles complex 3 subunit 1; minus strand). Cytogenetic location: 10q24.2.
Variant type: Deletion.
Coding change: c.921del on transcript NM_000195.5 (MANE Select); coding-DNA position 921, one base deleted (T; older notation c.921delT).
Protein change: p.Gly308fs; shifts the reading frame from glycine 308.
Molecular consequence: frameshift variant. On other transcripts: 5 prime UTR variant (3).
Genome position (GRCh38, 1-based): chr10:98,429,589, A deleted on the plus strand (T on the coding strand, the reverse complement: HPS1 is on the minus strand). VCF-style (leftmost placement, unchanged base first): chr10-98429588-CA-C. GRCh37 (hg19) VCF-style: chr10-100189345-CA-C.
Other names: c.-52del (NM_001311345.2, NM_001322487.2, NM_001322489.2); c.921del, p.Gly308fs (NM_001322476.2, NM_001322477.2, NM_182639.4); c.822del, p.Gly275fs (NM_001322478.2, NM_001322479.2, NM_001322491.2); c.660del, p.Gly221fs (NM_001322480.2, NM_001322481.2); c.561del, p.Gly188fs (NM_001322482.2); c.552del, p.Gly185fs (NM_001322483.2, NM_001322484.2); c.453del, p.Gly152fs (NM_001322485.2); c.803del, p.Leu268fs (NM_001322490.2); and 1 more; short protein forms G152fs, G275fs, G185fs, L235fs, L268fs, G188fs, G221fs, G308fs.
Identifiers: ClinVar variation 1379049 (VCV001379049.6), dbSNP rs2136192884, ClinGen allele CA2573146050.

ClinVar aggregate classification (germline): Pathogenic (1 of 4 stars; one submission).

Submission:

Labcorp Genetics (formerly Invitae), Labcorp
Classification: Pathogenic. Last evaluated: 2023-09-01. Review status: criteria provided, single submitter. Criteria: Invitae Variant Classification Sherloc (09022015). Collection method: clinical testing. Allele origin: germline.
Comment: This variant has not been reported in the literature in individuals affected with HPS1-related conditions. For these reasons, this variant has been classified as Pathogenic. ClinVar contains an entry for this variant (Variation ID: 1379049). This variant is not present in population databases (gnomAD no frequency). This sequence change creates a premature translational stop signal (p.Gly308Alafs*23) in the HPS1 gene. It is expected to result in an absent or disrupted protein product. Loss-of-function variants in HPS1 are known to be pathogenic (PMID: 12442288, 16185271).

Literature cited by the submitters: PubMed 12442288; PubMed 16185271.